The following is an entry in ClinVar:

ClinVar aggregate classification (germline): Uncertain significance (1 of 4 stars; one submission).

Conditions:
Hereditary cancer-predisposing syndrome. Also called: Tumor predisposition; Hereditary neoplastic syndrome; Hereditary Cancer Syndrome; Neoplastic Syndromes, Hereditary. Identifiers: Orphanet 140162, MedGen C0027672, MeSH D009386, MONDO:0015356.

Submission:

Labcorp Genetics (formerly Invitae), Labcorp
Classification: Uncertain significance for Hereditary cancer-predisposing syndrome. Last evaluated: 2021-07-03. Review status: criteria provided, single submitter. Criteria: Invitae Variant Classification Sherloc (09022015). Collection method: clinical testing. Allele origin: germline.
Comment: This sequence change replaces glutamic acid with lysine at codon 402 of the RAD50 protein (p.Glu402Lys). The glutamic acid residue is moderately conserved and there is a small physicochemical difference between glutamic acid and lysine. This variant is not present in population databases (ExAC no frequency). This variant has not been reported in the literature in individuals affected with RAD50-related conditions. Algorithms developed to predict the effect of missense changes on protein structure and function (SIFT, PolyPhen-2, Align-GVGD) all suggest that this variant is likely to be tolerated. In summary, the available evidence is currently insufficient to determine the role of this variant in disease. Therefore, it has been classified as a Variant of Uncertain Significance.

NM_005732.4(RAD50):c.1204G>A (p.Glu402Lys)

Gene: RAD50 (RAD50 double strand break repair protein; plus strand). Cytogenetic location: 5q31.1.
Variant type: single nucleotide variant.
Coding change: c.1204G>A on transcript NM_005732.4 (MANE Select); coding-DNA position 1204, G replaced by A.
Protein change: p.Glu402Lys; replaces glutamic acid 402 with lysine.
Molecular consequence: missense variant.
Genome position (GRCh38, 1-based): chr5:132,588,839, G>A. VCF-style: chr5-132588839-G-A. GRCh37 (hg19) VCF-style: chr5-131924531-G-A.
Other names: short protein forms E402K.
Identifiers: ClinVar variation 1461481 (VCV001461481.8), dbSNP rs1580992891, ClinGen allele CA360942917.